The following is an entry in ClinVar:

ClinVar aggregate classification (germline): Likely pathogenic (1 of 4 stars; one submission).

Conditions:
Bifunctional peroxisomal enzyme deficiency (DBIF). Also called: DBP DEFICIENCY; PBFE DEFICIENCY; D-bifunctional protein deficiency. Identifiers: Orphanet 300, MedGen C0342870, MONDO:0009855, OMIM 261515. Disease mechanism: loss of function.

Submission:

Myriad Genetics, Inc.
Classification: Likely pathogenic for Bifunctional peroxisomal enzyme deficiency. Last evaluated: 2022-03-30. Review status: criteria provided, single submitter. Criteria: Myriad Autosomal Dominant, Autosomal Recessive and X-Linked Classification Criteria (2023). Collection method: clinical testing. Allele origin: unknown.
Comment: NM_000414.3(HSD17B4):c.370_376del7ins3(L124Gfs*6) is expected to be pathogenic in the context of HSD17B4-related disorders. This variant is predicted to lead to an abnormal or absent protein product due to the creation of a premature termination codon in HSD17B4, a gene where loss-of-function variants are known to be pathogenic. Please note: this variant was assessed in the context of healthy population screening.

NM_000414.4(HSD17B4):c.370_376delinsGGA (p.Leu124fs)

Gene: HSD17B4 (hydroxysteroid 17-beta dehydrogenase 4; plus strand). Cytogenetic location: 5q23.1.
Variant type: Indel.
Coding change: c.370_376delinsGGA on transcript NM_000414.4 (MANE Select); coding-DNA positions 370 to 376, TTGCGGG replaced by GGA.
Protein change: p.Leu124fs; shifts the reading frame from leucine 124.
Molecular consequence: frameshift variant. On other transcripts: 5 prime UTR variant (5), non-coding transcript variant (2).
Genome position (GRCh38, 1-based): chr5:119,477,437-119,477,443, TTGCGGG replaced by GGA. VCF-style: chr5-119477437-TTGCGGG-GGA. GRCh37 (hg19) VCF-style: chr5-118813132-TTGCGGG-GGA.
Other names: c.445_451delinsGGA, p.Leu149fs (NM_001199291.3); c.316_322delinsGGA, p.Leu106fs (NM_001199292.2); c.298_304delinsGGA, p.Leu100fs (NM_001292027.2); c.-42_-36delinsGGA (NM_001292028.2, NM_001374501.1, NM_001374502.1 and 1 more transcripts); c.370_376delinsGGA, p.Leu124fs (NM_001374497.1, NM_001374498.1); c.43_49delinsGGA, p.Leu15fs (NM_001374499.1); c.-169_-163delinsGGA (NM_001374500.1); short protein forms L100fs, L106fs, L124fs, L149fs, L15fs.
Identifiers: ClinVar variation 1725544 (VCV001725544.3), dbSNP rs2531619631, ClinGen allele CA2580072384.